The following is an entry in ClinVar:

ClinVar aggregate classification (germline): Uncertain significance. Review status: criteria provided, multiple submitters, no conflicts (2 of 4 stars). 2 submissions from 2 submitters: Uncertain significance (2). Last evaluated 2023-08-16.

Conditions:
Inborn genetic diseases. Identifiers: MedGen C0950123, MeSH D030342.
CHARGE syndrome (CHARGE). Also called: Hittner Hirsch Kreh syndrome; CHARGE ASSOCIATION--COLOBOMA, HEART ANOMALY, CHOANAL ATRESIA, RETARDATION, GENITAL AND EAR ANOMALIES; Coloboma, heart anomaly, choanal atresia, retardation, genital and ear anomalies; CHARGE association; Hall-Hittner syndrome. Identifiers: Orphanet 138, MedGen C0265354, MONDO:0008965.

gnomAD v4.1: 3 of 1,613,760 alleles (0.00019%); highest among the groups gnomAD compares: Non-Finnish European, 0.00017%; no homozygotes.

Submissions (2):

Labcorp Genetics (formerly Invitae), Labcorp
Classification: Uncertain significance for CHARGE syndrome. Last evaluated: 2023-08-16. Review status: criteria provided, single submitter. Criteria: Invitae Variant Classification Sherloc (09022015). Collection method: clinical testing. Allele origin: germline.
Comment: This sequence change replaces valine, which is neutral and non-polar, with methionine, which is neutral and non-polar, at codon 1698 of the CHD7 protein (p.Val1698Met). This variant is not present in population databases (gnomAD no frequency). This missense change has been observed in individual(s) with clinical features of CHD7-related conditions (PMID: 32185379). ClinVar contains an entry for this variant (Variation ID: 2195672). Advanced modeling of protein sequence and biophysical properties (such as structural, functional, and spatial information, amino acid conservation, physicochemical variation, residue mobility, and thermodynamic stability) performed at Invitae indicates that this missense variant is not expected to disrupt CHD7 protein function. In summary, the available evidence is currently insufficient to determine the role of this variant in disease. Therefore, it has been classified as a Variant of Uncertain Significance.

Ambry Genetics
Classification: Uncertain significance for Inborn genetic diseases. Last evaluated: 2020-12-01. Review status: criteria provided, single submitter. Criteria: Ambry Variant Classification Scheme 2023. Collection method: clinical testing. Allele origin: germline.

Literature cited by the submitters: PubMed 32185379 (cited by Labcorp Genetics (formerly Invitae), Labcorp).

NM_017780.4(CHD7):c.5092G>A (p.Val1698Met)

Gene: CHD7 (chromodomain helicase DNA binding protein 7; plus strand). Cytogenetic location: 8q12.2.
Variant type: single nucleotide variant.
Coding change: c.5092G>A on transcript NM_017780.4 (MANE Select); coding-DNA position 5092, G replaced by A.
Protein change: p.Val1698Met; replaces valine 1698 with methionine.
Molecular consequence: missense variant. On other transcripts: intron variant (1).
Genome position (GRCh38, 1-based): chr8:60,845,291, G>A. VCF-style: chr8-60845291-G-A. GRCh37 (hg19) VCF-style: chr8-61757850-G-A.
Other names: c.1717-16938G>A (NM_001316690.1); c.5092G>A (NM_017780.3); short protein forms V1698M.
Identifiers: ClinVar variation 2195672 (VCV002195672.5), dbSNP rs777744183, ClinGen allele CA371320349.